The following is an entry in ClinVar:

ClinVar aggregate classification (germline): Conflicting classifications of pathogenicity. Review status: criteria provided, conflicting classifications (1 of 4 stars). 3 submissions from 3 submitters: Pathogenic (2); Uncertain significance (1). Last evaluated 2025-12-01.

gnomAD v4.1: 1 of 1,613,652 alleles (0.000062%); highest among the groups gnomAD compares: Non-Finnish European, 0.000085%; no homozygotes.

Submissions (3):

CeGaT Center for Human Genetics Tuebingen
Classification: Uncertain significance. Last evaluated: 2025-12-01. Review status: criteria provided, single submitter. Criteria: CeGaT Center For Human Genetics Tuebingen Variant Classification Criteria Version 2. Collection method: clinical testing. Allele origin: germline. Affected: yes. Observed: 1 variant allele.
Comment: KDM4B: PVS1:Strong, PM2:Supporting

Dasa
Classification: Pathogenic. Last evaluated: 2025-06-12. Review status: criteria provided, single submitter. Criteria: DASA Assertion Criteria. Collection method: clinical testing. Allele origin: germline.
Comment: NM_015015.3(KDM4B):c.2173C>T (p.Arg725*) introduces a premature termination codon predicted to result in loss of normal protein function. Loss-of-function is an established mechanism of disease for this gene. De novo occurrence has been reported in an individual with related phenotype. This variant has been reported in individuals with related phenotype (PMID: 28191890). The variant is present at low frequency in population datasets. Based on the available data, this variant is classified as pathogenic.

GeneDx
Classification: Pathogenic. Last evaluated: 2023-05-08. Review status: criteria provided, single submitter. Criteria: GeneDx Variant Classification Process June 2021. Collection method: clinical testing. Allele origin: germline. Affected: yes.
Comment: Nonsense variant predicted to result in protein truncation or nonsense mediated decay in a gene for which loss-of-function is a known mechanism of disease; Not observed at significant frequency in large population cohorts (gnomAD); This variant is associated with the following publications: (PMID: 28191890, 28407358, 28714951, 31785789)

Literature cited by the submitters: PubMed 28191890 (cited by Dasa).

NM_015015.3(KDM4B):c.2173C>T (p.Arg725Ter)

Gene: KDM4B (lysine demethylase 4B; plus strand). Cytogenetic location: 19p13.3.
Variant type: single nucleotide variant.
Coding change: c.2173C>T on transcript NM_015015.3 (MANE Select); coding-DNA position 2173, C replaced by T.
Protein change: p.Arg725Ter; replaces arginine 725 with a stop codon.
Molecular consequence: nonsense.
Genome position (GRCh38, 1-based): chr19:5,135,426, C>T. VCF-style: chr19-5135426-C-T. GRCh37 (hg19) VCF-style: chr19-5135437-C-T.
Other names: c.2275C>T, p.Arg759Ter (NM_001411148.1); short protein forms R725*, R759*.
Identifiers: ClinVar variation 2502130 (VCV002502130.7), dbSNP rs2512147217, ClinGen allele CA403502784.